The following is an entry in ClinVar:

ClinVar aggregate classification (germline): Uncertain significance (1 of 4 stars; one submission).

Conditions:
Werner syndrome (WRN). Identifiers: Orphanet 902, MedGen C0043119, MONDO:0010196, OMIM 277700.

Submission:

Labcorp Genetics (formerly Invitae), Labcorp
Classification: Uncertain significance for Werner syndrome. Last evaluated: 2022-07-19. Review status: criteria provided, single submitter. Criteria: Invitae Variant Classification Sherloc (09022015). Collection method: clinical testing. Allele origin: germline.
Comment: This variant has not been reported in the literature in individuals affected with WRN-related conditions. This variant is not present in population databases (gnomAD no frequency). This sequence change replaces glutamine, which is neutral and polar, with proline, which is neutral and non-polar, at codon 1313 of the WRN protein (p.Gln1313Pro). ClinVar contains an entry for this variant (Variation ID: 959585). In summary, the available evidence is currently insufficient to determine the role of this variant in disease. Therefore, it has been classified as a Variant of Uncertain Significance. Algorithms developed to predict the effect of missense changes on protein structure and function are either unavailable or do not agree on the potential impact of this missense change (SIFT: "Not Available"; PolyPhen-2: "Possibly Damaging"; Align-GVGD: "Not Available").

NM_000553.6(WRN):c.3938A>C (p.Gln1313Pro)

Gene: WRN (WRN RecQ like helicase; plus strand). Cytogenetic location: 8p12.
Variant type: single nucleotide variant.
Coding change: c.3938A>C on transcript NM_000553.6 (MANE Select); coding-DNA position 3938, A replaced by C.
Protein change: p.Gln1313Pro; replaces glutamine 1313 with proline.
Molecular consequence: missense variant.
Genome position (GRCh38, 1-based): chr8:31,157,486, A>C. VCF-style: chr8-31157486-A-C. GRCh37 (hg19) VCF-style: chr8-31015002-A-C.
Other names: short protein forms Q1313P.
Identifiers: ClinVar variation 959585 (VCV000959585.6), dbSNP rs1803433418, ClinGen allele CA370929539.